The following is an entry in ClinVar:

ClinVar aggregate classification (germline): Uncertain significance (1 of 4 stars; one submission).

Submission:

GeneDx
Classification: Uncertain significance. Last evaluated: 2025-01-19. Review status: criteria provided, single submitter. Criteria: GeneDx Variant Classification Process June 2021. Collection method: clinical testing. Allele origin: germline. Affected: yes.
Comment: Not observed at significant frequency in large population cohorts (gnomAD); In silico analysis supports that this missense variant has a deleterious effect on protein structure/function; Has not been previously published as pathogenic or benign to our knowledge

NM_016284.5(CNOT1):c.629T>A (p.Leu210Gln)

Gene: CNOT1 (CCR4-NOT transcription complex subunit 1; minus strand). Cytogenetic location: 16q21.
Variant type: single nucleotide variant.
Coding change: c.629T>A on transcript NM_016284.5 (MANE Select); coding-DNA position 629, T replaced by A.
Protein change: p.Leu210Gln; replaces leucine 210 with glutamine.
Molecular consequence: missense variant. On other transcripts: non-coding transcript variant (1).
Genome position (GRCh38, 1-based): chr16:58,586,553, A>T on the plus strand (T>A on the coding strand, the complement: CNOT1 is on the minus strand). VCF-style: chr16-58586553-A-T. GRCh37 (hg19) VCF-style: chr16-58620457-A-T.
Other names: c.629T>A, p.Leu210Gln (NM_001265612.2, NM_206999.3); short protein forms L210Q.
Identifiers: ClinVar variation 4070790 (VCV004070790.1).